The following is an entry in ClinVar:

NM_033004.4(NLRP1):c.3869A>G (p.Tyr1290Cys)

Gene: NLRP1 (NLR family pyrin domain containing 1; minus strand). Cytogenetic location: 17p13.2.
Variant type: single nucleotide variant.
Coding change: c.3869A>G on transcript NM_033004.4 (MANE Select); coding-DNA position 3869, A replaced by G.
Protein change: p.Tyr1290Cys; replaces tyrosine 1290 with cysteine.
Molecular consequence: missense variant. On other transcripts: intron variant (2).
Genome position (GRCh38, 1-based): chr17:5,520,927, T>C on the plus strand (A>G on the coding strand, the complement: NLRP1 is on the minus strand). VCF-style: chr17-5520927-T-C. GRCh37 (hg19) VCF-style: chr17-5424247-T-C.
Other names: c.3881A>G, p.Tyr1294Cys (NM_001033053.3); c.3779A>G, p.Tyr1260Cys (NM_033006.4); c.3693+597A>G (NM_033007.4); c.3783+597A>G (NM_014922.5); short protein forms Y1260C, Y1290C, Y1294C.
Identifiers: ClinVar variation 1479923 (VCV001479923.8), dbSNP rs2151741766, ClinGen allele CA397388747.

ClinVar aggregate classification (germline): Uncertain significance (1 of 4 stars; one submission).

gnomAD v4.1: 1 of 1,612,104 alleles (0.000062%); highest among the groups gnomAD compares: Non-Finnish European, 0.000085%; no homozygotes.

Submission:

Labcorp Genetics (formerly Invitae), Labcorp
Classification: Uncertain significance. Last evaluated: 2021-05-13. Review status: criteria provided, single submitter. Criteria: Invitae Variant Classification Sherloc (09022015). Collection method: clinical testing. Allele origin: germline.
Comment: In summary, the available evidence is currently insufficient to determine the role of this variant in disease. Therefore, it has been classified as a Variant of Uncertain Significance. This sequence change replaces tyrosine with cysteine at codon 1290 of the NLRP1 protein (p.Tyr1290Cys). The tyrosine residue is moderately conserved and there is a large physicochemical difference between tyrosine and cysteine. This variant is not present in population databases (ExAC no frequency). This variant has not been reported in the literature in individuals with NLRP1-related conditions. Algorithms developed to predict the effect of missense changes on protein structure and function are either unavailable or do not agree on the potential impact of this missense change (SIFT: "Deleterious"; PolyPhen-2: "Probably Damaging"; Align-GVGD: "Class C0").